The following is an entry in ClinVar:

NM_000535.7(PMS2):c.1874T>C (p.Leu625Ser)

Gene: PMS2 (PMS1 homolog 2, mismatch repair system component; minus strand). Cytogenetic location: 7p22.1.
Variant type: single nucleotide variant.
Coding change: c.1874T>C on transcript NM_000535.7 (MANE Select); coding-DNA position 1874, T replaced by C.
Protein change: p.Leu625Ser; replaces leucine 625 with serine.
Molecular consequence: missense variant. On other transcripts: non-coding transcript variant (1).
Genome position (GRCh38, 1-based): chr7:5,986,891, A>G on the plus strand (T>C on the coding strand, the complement: PMS2 is on the minus strand). VCF-style: chr7-5986891-A-G. GRCh37 (hg19) VCF-style: chr7-6026522-A-G.
Other names: c.1469T>C, p.Leu490Ser (NM_001322003.2, NM_001322004.2, NM_001322005.2 and 1 more transcripts); c.1718T>C, p.Leu573Ser (NM_001322006.2); c.1556T>C, p.Leu519Ser (NM_001322007.2, NM_001322008.2); c.1313T>C, p.Leu438Ser (NM_001322010.2); c.941T>C, p.Leu314Ser (NM_001322011.2, NM_001322012.2); c.1301T>C, p.Leu434Ser (NM_001322013.2); c.1874T>C, p.Leu625Ser (NM_001322014.2); c.1565T>C, p.Leu522Ser (NM_001322015.2); and 1 more; short protein forms L434S, L490S, L573S, L625S, L314S, L519S, L522S, L438S.
Identifiers: ClinVar variation 922392 (VCV000922392.12), dbSNP rs63750835, ClinGen allele CA366739479.

ClinVar aggregate classification (germline): Uncertain significance. Review status: criteria provided, multiple submitters, no conflicts (2 of 4 stars). 6 submissions from 6 submitters: Uncertain significance (6). Last evaluated 2026-01-14.

Conditions:
Hereditary nonpolyposis colorectal neoplasms. Identifiers: MedGen C0009405, MeSH D003123.
Hereditary cancer-predisposing syndrome. Also called: Neoplastic Syndromes, Hereditary; Tumor predisposition; Hereditary Cancer Syndrome; Hereditary neoplastic syndrome. Identifiers: Orphanet 140162, MedGen C0027672, MeSH D009386, MONDO:0015356.
Lynch syndrome 4 (LYNCH4). Also called: Colorectal cancer, hereditary nonpolyposis, type 4; Hereditary non-polyposis colorectal cancer, type 4. Identifiers: Orphanet 144, MedGen C1838333, MONDO:0013699, OMIM 614337. Disease mechanism: loss of function.

Submissions (6):

Labcorp Genetics (formerly Invitae), Labcorp
Classification: Uncertain significance for Hereditary nonpolyposis colorectal neoplasms. Last evaluated: 2026-01-14. Review status: criteria provided, single submitter. Criteria: Invitae Variant Classification Sherloc (09022015). Collection method: clinical testing. Allele origin: germline.
Comment: This sequence change replaces leucine, which is neutral and non-polar, with serine, which is neutral and polar, at codon 625 of the PMS2 protein (p.Leu625Ser). This variant is not present in population databases (gnomAD no frequency). This variant has not been reported in the literature in individuals affected with PMS2-related conditions. ClinVar contains an entry for this variant (Variation ID: 922392). Invitae Evidence Modeling incorporating data from in vitro experimental studies (internal data) indicates that this missense variant is not expected to disrupt PMS2 function with a negative predictive value of 95%. In summary, the available evidence is currently insufficient to determine the role of this variant in disease. Therefore, it has been classified as a Variant of Uncertain Significance.

Ambry Genetics
Classification: Uncertain significance for Hereditary cancer-predisposing syndrome. Last evaluated: 2024-05-09. Review status: criteria provided, single submitter. Criteria: Ambry Variant Classification Scheme 2023. Collection method: clinical testing. Allele origin: germline.
Comment: The p.L625S variant (also known as c.1874T>C), located in coding exon 11 of the PMS2 gene, results from a T to C substitution at nucleotide position 1874. The leucine at codon 625 is replaced by serine, an amino acid with dissimilar properties. This amino acid position is conserved. In addition, the in silico prediction for this alteration is inconclusive. Based on the available evidence, the clinical significance of this variant remains unclear.

Color Diagnostics, LLC DBA Color Health
Classification: Uncertain significance for Hereditary cancer-predisposing syndrome. Last evaluated: 2024-03-06. Review status: criteria provided, single submitter. Criteria: ACMG Guidelines, 2015. Collection method: clinical testing. Allele origin: germline.
Comment: This missense variant replaces leucine with serine at codon 625 of the PMS2 protein. Computational prediction tool is inconclusive regarding the impact of this variant on protein structure and function (internally defined REVEL score threshold 0.5 < inconclusive < 0.7, PMID: 27666373). Splice site prediction tools suggest that this variant may not impact RNA splicing. To our knowledge, functional studies have not been performed for this variant. This variant has not been reported in individuals affected with hereditary cancer in the literature. This variant has not been identified in the general population by the Genome Aggregation Database (gnomAD). The available evidence is insufficient to determine the role of this variant in disease conclusively. Therefore, this variant is classified as a Variant of Uncertain Significance.

Baylor Genetics
Classification: Uncertain significance for Lynch syndrome 4. Last evaluated: 2023-08-03. Review status: criteria provided, single submitter. Criteria: ACMG Guidelines, 2015. Collection method: clinical testing. Allele origin: unknown.

GeneDx
Classification: Uncertain significance. Last evaluated: 2022-11-30. Review status: criteria provided, single submitter. Criteria: GeneDx Variant Classification Process June 2021. Collection method: clinical testing. Allele origin: germline. Affected: yes.
Comment: Not observed at significant frequency in large population cohorts (gnomAD); In silico analysis supports that this missense variant has a deleterious effect on protein structure/function; Has not been previously published as pathogenic or benign to our knowledge; This variant is associated with the following publications: (PMID: 11292842)

Women's Health and Genetics/Laboratory Corporation of America, LabCorp
Classification: Uncertain significance. Last evaluated: 2020-08-13. Review status: criteria provided, single submitter. Criteria: LabCorp Variant Classification Summary - May 2015. Collection method: clinical testing. Allele origin: germline.
Comment: Variant summary: PMS2 c.1874T>C (p.Leu625Ser) results in a non-conservative amino acid change in the encoded protein sequence. Four of five in-silico tools predict a damaging effect of the variant on protein function. The variant was absent in 251448 control chromosomes (gnomAD). The available data on variant occurrences in the general population are insufficient to allow any conclusion about variant significance. To our knowledge, no occurrence of c.1874T>C in individuals affected with Lynch Syndrome and no experimental evidence demonstrating its impact on protein function have been reported. One ClinVar submitter (evaluation after 2014) cite the variant as uncertain significance. Based on the evidence outlined above, the variant was classified as uncertain significance.